The following is an entry in ClinVar:

NM_017617.5(NOTCH1):c.1936G>A (p.Ala646Thr)

Gene: NOTCH1 (notch receptor 1; minus strand). Cytogenetic location: 9q34.3.
Variant type: single nucleotide variant.
Coding change: c.1936G>A on transcript NM_017617.5 (MANE Select); coding-DNA position 1936, G replaced by A.
Protein change: p.Ala646Thr; replaces alanine 646 with threonine.
Molecular consequence: missense variant.
Genome position (GRCh38, 1-based): chr9:136,515,368, C>T on the plus strand (G>A on the coding strand, the complement: NOTCH1 is on the minus strand). VCF-style: chr9-136515368-C-T. GRCh37 (hg19) VCF-style: chr9-139409820-C-T.
Other names: c.1936G>A (NM_017617.4); short protein forms A646T.
Identifiers: ClinVar variation 2865894 (VCV002865894.4), dbSNP rs1238304834, ClinGen allele CA375559317.
Genomic context (GRCh38, chr9:136,515,368, plus strand): 5'-AGGCACACTCGTAGCCATCGATCTTGTCCAGACAGGTGCCCGAGTCGCAGGGGCTGCTGG[C>T]ACAGTCATCCAGGTTGATCTCGCAGTTGGGTCCTGAAGGGGTGGCACGTGTCGGTCAGTC-3'
Protein context (NP_060087.3, residues 636-656): PNCEINLDDC[Ala646Thr]SSPCDSGTCL

ClinVar aggregate classification (germline): Uncertain significance. Review status: criteria provided, multiple submitters, no conflicts (2 of 4 stars). 2 submissions from 2 submitters: Uncertain significance (2). Last evaluated 2025-10-26.

Conditions:
Adams-Oliver syndrome 5 (AOS5). Identifiers: Orphanet 974, MedGen C4014970, MONDO:0014459, OMIM 616028.
NOTCH1-related disorder. Also called: NOTCH1-related condition; NOTCH1-related disorders.

Allele frequency attached by ClinVar (database versions not stated): gnomAD exomes below 0.00001; TOPMed below 0.00001.
gnomAD v4.1: 2 of 1,613,024 alleles (0.00012%); highest among the groups gnomAD compares: Non-Finnish European, 0.00017%; no homozygotes.

Submissions (2):

Labcorp Genetics (formerly Invitae), Labcorp
Classification: Uncertain significance for Adams-Oliver syndrome 5. Last evaluated: 2025-10-26. Review status: criteria provided, single submitter. Criteria: Invitae Variant Classification Sherloc (09022015). Collection method: clinical testing. Allele origin: germline.
Comment: This sequence change replaces alanine, which is neutral and non-polar, with threonine, which is neutral and polar, at codon 646 of the NOTCH1 protein (p.Ala646Thr). This variant is not present in population databases (gnomAD no frequency). This variant has not been reported in the literature in individuals affected with NOTCH1-related conditions. ClinVar contains an entry for this variant (Variation ID: 2865894). Invitae Evidence Modeling of protein sequence and biophysical properties (such as structural, functional, and spatial information, amino acid conservation, physicochemical variation, residue mobility, and thermodynamic stability) indicates that this missense variant is not expected to disrupt NOTCH1 protein function with a negative predictive value of 95%. In summary, the available evidence is currently insufficient to determine the role of this variant in disease. Therefore, it has been classified as a Variant of Uncertain Significance.

PreventionGenetics, part of Exact Sciences
Classification: Uncertain significance for NOTCH1-related condition. Last evaluated: 2025-08-29. Review status: criteria provided, single submitter. Criteria: ACMG Guidelines, 2015. Collection method: clinical testing. Allele origin: germline.
Comment: The NOTCH1 c.1936G>A variant is predicted to result in the amino acid substitution p.Ala646Thr. To our knowledge, this variant has not been reported in the literature or in a large population database (gnomAD), indicating this variant is rare. At this time, the clinical significance of this variant is uncertain due to the absence of conclusive functional and genetic evidence.